The following is an entry in ClinVar:

NM_001304438.2(TMEM132E):c.962C>T (p.Ser321Leu)

Gene: TMEM132E (transmembrane protein 132E; plus strand). Cytogenetic location: 17q12.
Variant type: single nucleotide variant.
Coding change: c.962C>T on transcript NM_001304438.2 (MANE Select); coding-DNA position 962, C replaced by T.
Protein change: p.Ser321Leu; replaces serine 321 with leucine.
Molecular consequence: missense variant.
Genome position (GRCh38, 1-based): chr17:34,627,021, C>T. VCF-style: chr17-34627021-C-T. GRCh37 (hg19) VCF-style: chr17-32954040-C-T.
Other names: c.962C>T (NM_001304438.1); short protein forms S321L.
Identifiers: ClinVar variation 1664370 (VCV001664370.11), dbSNP rs150343983, ClinGen allele CA8496517.
Genomic context (GRCh38, chr17:34,627,021, plus strand): 5'-GGCCCCTCAAGCCCGGGGAAGTGCTCAGCATCCTCCTCTATCTGGCCCCCAACTCCTCCT[C>T]GCCCTCCAGCCCCAGCGTGGAGCACTTCACACTCAGGTAGTAGGGAAGATGGGTGGGGAT-3'
Protein context (NP_001291367.1, residues 311-331): ILLYLAPNSS[Ser321Leu]PSSPSVEHFT

ClinVar aggregate classification (germline): Likely benign. Review status: criteria provided, multiple submitters, no conflicts (2 of 4 stars). 3 submissions from 3 submitters: Likely benign (2). 1 of the submissions does not count toward it. Last evaluated 2025-12-30.

Conditions:
TMEM132E-related disorder. Also called: TMEM132E-related condition.

Allele frequency attached by ClinVar (database versions not stated): gnomAD exomes 0.00017 and 0.00042; ExAC 0.00043; gnomAD 0.00128 and 0.00142; TOPMed 0.00151; ESP Exome Variant Server 0.00161; 1000 Genomes Project 30x 0.00172; 1000 Genomes Project 0.00180.
gnomAD v4.1: 465 of 1,613,778 alleles (0.029%); highest among the groups gnomAD compares: African/African-American, 0.45%; 1 homozygote.

Submissions (3):

Labcorp Genetics (formerly Invitae), Labcorp
Classification: Likely benign. Last evaluated: 2025-12-30. Review status: criteria provided, single submitter. Criteria: Invitae Variant Classification Sherloc (09022015). Collection method: clinical testing. Allele origin: germline.

Blueprint Genetics
Classification: Likely benign. Last evaluated: 2024-07-18. Review status: criteria provided, single submitter. Criteria: ACMG Guidelines, 2015. Collection method: clinical testing. Allele origin: germline.

PreventionGenetics, part of Exact Sciences
Classification: Likely benign for TMEM132E-related condition. Last evaluated: 2024-03-05. Review status: no assertion criteria provided. Collection method: clinical testing. Allele origin: germline. Not counted in ClinVar's aggregate classification.
Comment: This variant is classified as likely benign based on ACMG/AMP sequence variant interpretation guidelines (Richards et al. 2015 PMID: 25741868, with internal and published modifications).